The following is an entry in ClinVar:

NM_000329.3(RPE65):c.1007T>C (p.Phe336Ser)

Gene: RPE65 (retinoid isomerohydrolase RPE65; minus strand). Cytogenetic location: 1p31.3.
Variant type: single nucleotide variant.
Coding change: c.1007T>C on transcript NM_000329.3 (MANE Select); coding-DNA position 1007, T replaced by C.
Protein change: p.Phe336Ser; replaces phenylalanine 336 with serine.
Molecular consequence: missense variant.
Genome position (GRCh38, 1-based): chr1:68,438,308, A>G on the plus strand (T>C on the coding strand, the complement: RPE65 is on the minus strand). VCF-style: chr1-68438308-A-G. GRCh37 (hg19) VCF-style: chr1-68903991-A-G.
Other names: c.899T>C, p.Phe300Ser (NM_001406853.1); c.731T>C, p.Phe244Ser (NM_001406856.1, NM_001406857.1); c.1007T>C, p.Phe336Ser (NM_001406859.1); short protein forms F244S, F300S, F336S.
Identifiers: ClinVar variation 2627125 (VCV002627125.1), dbSNP rs2523423088, ClinGen allele CA340744459.

ClinVar aggregate classification (germline): Uncertain significance (1 of 4 stars; one submission).

Submission:

Women's Health and Genetics/Laboratory Corporation of America, LabCorp
Classification: Uncertain significance. Last evaluated: 2023-09-01. Review status: criteria provided, single submitter. Criteria: LabCorp Variant Classification Summary - May 2015. Collection method: clinical testing. Allele origin: germline.
Comment: Variant summary: RPE65 c.1007T>C (p.Phe336Ser) results in a non-conservative amino acid change in the encoded protein sequence. Four of five in-silico tools predict a damaging effect of the variant on protein function. The variant was absent in 249532 control chromosomes. The available data on variant occurrences in the general population are insufficient to allow any conclusion about variant significance. c.1007T>C has been reported in the literature in the compound heterozygous state in one individual affected with early-onset severe retinal dystrophy (e.g. Testa_2022). However, the pathogenicity of both detected variants was not conclusive, so this report does not provide unequivocal conclusions about association of the variant with Leber Congenital Amaurosis. To our knowledge, no experimental evidence demonstrating an impact on protein function has been reported. The following publication has been ascertained in the context of this evaluation (PMID: 35129589). No submitters have cited clinical-significance assessments for this variant to ClinVar after 2014. Based on the evidence outlined above, the variant was classified as uncertain significance.

Literature cited by the submitters: PubMed 35129589.